The following is an entry in ClinVar:

ClinVar aggregate classification (germline): Likely benign. Review status: criteria provided, single submitter (1 of 4 stars). 2 submissions from 2 submitters: Likely benign (1). 1 of the submissions does not count toward it. Last evaluated 2025-02-10.

Conditions:
Rubinstein-Taybi syndrome (RSTS). Identifiers: Orphanet 783, MedGen C0035934, MONDO:0019188.
CREBBP-related disorder. Also called: CREBBP-related condition; CREBBP-related disorders.

Submissions (2):

Labcorp Genetics (formerly Invitae), Labcorp
Classification: Likely benign for Rubinstein-Taybi syndrome. Last evaluated: 2025-02-10. Review status: criteria provided, single submitter. Criteria: Invitae Variant Classification Sherloc (09022015). Collection method: clinical testing. Allele origin: germline.

PreventionGenetics, part of Exact Sciences
Classification: Likely benign for CREBBP-related condition. Last evaluated: 2022-05-03. Review status: no assertion criteria provided. Collection method: clinical testing. Allele origin: germline. Not counted in ClinVar's aggregate classification.
Comment: This variant is classified as likely benign based on ACMG/AMP sequence variant interpretation guidelines (Richards et al. 2015 PMID: 25741868, with internal and published modifications).

NM_004380.3(CREBBP):c.3330T>A (p.Pro1110=)

Gene: CREBBP (CREB binding lysine acetyltransferase; minus strand). Cytogenetic location: 16p13.3.
Variant type: single nucleotide variant.
Coding change: c.3330T>A on transcript NM_004380.3 (MANE Select); coding-DNA position 3330, T replaced by A.
Protein change: p.Pro1110=; no amino-acid change (proline 1110 retained).
Molecular consequence: synonymous variant.
Genome position (GRCh38, 1-based): chr16:3,758,893, A>T on the plus strand (T>A on the coding strand, the complement: CREBBP is on the minus strand). VCF-style: chr16-3758893-A-T. GRCh37 (hg19) VCF-style: chr16-3808894-A-T.
Other names: c.3216T>A, p.Pro1072= (NM_001079846.1).
Identifiers: ClinVar variation 3354432 (VCV003354432.2).